The following is an entry in ClinVar:

ClinVar aggregate classification (germline): Uncertain significance (1 of 4 stars; one submission).

Conditions:
Cornelia de Lange syndrome 3 (CDLS3). Also called: SMC3-Related Cornelia de Lange Syndrome; CORNELIA DE LANGE SYNDROME 3 WITH OR WITHOUT MIDLINE BRAIN DEFECTS. Identifiers: Orphanet 199, MedGen C1853099, MONDO:0012555, OMIM 610759.

Allele frequency attached by ClinVar (database versions not stated): TOPMed 0.00001.
gnomAD v4.1: 2 of 1,610,096 alleles (0.00012%); highest among the groups gnomAD compares: African/African-American, 0.0013%; no homozygotes.

Submissions (2):

Labcorp Genetics (formerly Invitae), Labcorp
Classification: Uncertain significance for Cornelia de Lange syndrome 3. Last evaluated: 2025-06-02. Review status: criteria provided, single submitter. Criteria: Invitae Variant Classification Sherloc (09022015). Collection method: clinical testing. Allele origin: germline.
Comment: This sequence change falls in intron 25 of the SMC3 gene. It does not directly change the encoded amino acid sequence of the SMC3 protein. It affects a nucleotide within the consensus splice site. This variant is present in population databases (rs745657228, gnomAD 0.003%). This variant has not been reported in the literature in individuals affected with SMC3-related conditions. ClinVar contains an entry for this variant (Variation ID: 2712576). Variants that disrupt the consensus splice site are a relatively common cause of aberrant splicing (PMID: 17576681, 9536098). Algorithms developed to predict the effect of sequence changes on RNA splicing suggest that this variant is not likely to affect RNA splicing. In summary, the available evidence is currently insufficient to determine the role of this variant in disease. Therefore, it has been classified as a Variant of Uncertain Significance.

Dr. Peter K. Rogan Lab, Western University
No classification provided (evidence only). Condition: Malignant tumor of esophagus. Review status: no classification provided. Collection method: in vitro. Allele origin: not applicable. Functional consequence: skipped exon, retained intron. Not counted in ClinVar's aggregate classification.

Literature cited by the submitters: PubMed 17576681 (cited by Labcorp Genetics (formerly Invitae), Labcorp); PubMed 9536098 (cited by Labcorp Genetics (formerly Invitae), Labcorp).

NM_005445.4(SMC3):c.3105+3A>T

Gene: SMC3 (structural maintenance of chromosomes 3; plus strand). Cytogenetic location: 10q25.2.
Variant type: single nucleotide variant.
Coding change: c.3105+3A>T on transcript NM_005445.4 (MANE Select); 3 bases into the intron after coding-DNA position 3105, A replaced by T.
Molecular consequence: intron variant.
Genome position (GRCh38, 1-based): chr10:110,602,181, A>T. VCF-style: chr10-110602181-A-T. GRCh37 (hg19) VCF-style: chr10-112361939-A-T.
Identifiers: ClinVar variation 2712576 (VCV002712576.4), dbSNP rs745657228, ClinGen allele CA5688330.